The following is an entry in ClinVar:

NM_001267550.2(TTN):c.9587A>G (p.Tyr3196Cys)

Gene: TTN (titin; minus strand). Cytogenetic location: 2q31.2.
Variant type: single nucleotide variant.
Coding change: c.9587A>G on transcript NM_001267550.2 (MANE Select); coding-DNA position 9587, A replaced by G.
Protein change: p.Tyr3196Cys; replaces tyrosine 3196 with cysteine.
Molecular consequence: missense variant.
Genome position (GRCh38, 1-based): chr2:178,766,497, T>C on the plus strand (A>G on the coding strand, the complement: TTN is on the minus strand). VCF-style: chr2-178766497-T-C. GRCh37 (hg19) VCF-style: chr2-179631224-T-C.
Other names: c.9587A>G, p.Tyr3196Cys (NM_133379.5, NM_001256850.1, NM_133378.4); c.9449A>G, p.Tyr3150Cys (NM_133432.3, NM_133437.4, NM_003319.4); short protein forms Y3150C, Y3196C.
Identifiers: ClinVar variation 2629624 (VCV002629624.1), dbSNP rs1238502159, ClinGen allele CA349674826.

ClinVar aggregate classification (germline): Uncertain significance (1 of 4 stars; one submission).

Conditions:
TTN-related disorder. Also called: TTN-related condition; TTN-related disease; TTN-related disorders.

Allele frequency attached by ClinVar (database versions not stated): gnomAD 0.00001.
gnomAD v4.1: 5 of 1,613,994 alleles (0.00031%); highest among the groups gnomAD compares: Non-Finnish European, 0.00042%; no homozygotes.

Submission:

PreventionGenetics, part of Exact Sciences
Classification: Uncertain significance for TTN-related condition. Last evaluated: 2022-12-22. Review status: criteria provided, single submitter. Criteria: ACMG Guidelines, 2015. Collection method: clinical testing. Allele origin: germline.
Comment: The TTN c.9587A>G variant is predicted to result in the amino acid substitution p.Tyr3196Cys. To our knowledge, this variant has not been reported in the literature. This variant is reported in 0.0016% of alleles in individuals of European (Non-Finnish) descent in gnomAD. At this time, the clinical significance of this variant is uncertain due to the absence of conclusive functional and genetic evidence.